The following is an entry in ClinVar:

ClinVar aggregate classification (germline): Uncertain significance. Review status: criteria provided, multiple submitters, no conflicts (2 of 4 stars). 4 submissions from 3 submitters: Uncertain significance (4). Last evaluated 2023-04-11.

Conditions:
Retinitis pigmentosa 35 (RP35). Identifiers: Orphanet 791, MedGen C1853214, MONDO:0012463, OMIM 610282.
Cone-rod dystrophy 10 (CORD10). Identifiers: Orphanet 1872, MedGen C1846529, MONDO:0012464, OMIM 610283.

Submissions (4):

Genome-Nilou Lab
Classification: Uncertain significance for Cone-rod dystrophy 10. Last evaluated: 2023-04-11. Review status: criteria provided, single submitter. Criteria: ACMG Guidelines, 2015. Collection method: clinical testing. Allele origin: germline. Affected: no.

Genome-Nilou Lab
Classification: Uncertain significance for Retinitis pigmentosa 35. Last evaluated: 2023-04-11. Review status: criteria provided, single submitter. Criteria: ACMG Guidelines, 2015. Collection method: clinical testing. Allele origin: germline. Affected: no.

GeneDx
Classification: Uncertain significance. Last evaluated: 2019-08-20. Review status: criteria provided, single submitter. Criteria: GeneDx Variant Classification Process June 2021. Collection method: clinical testing. Allele origin: germline. Affected: yes.
Comment: Not observed in large population cohorts (Lek et al., 2016); In silico analysis, which includes protein predictors and evolutionary conservation, supports a deleterious effect; Has not been previously published as pathogenic or benign to our knowledge

Eurofins Ntd Llc (ga)
Classification: Uncertain significance. Last evaluated: 2014-03-20. Review status: criteria provided, single submitter. Criteria: EGL Classification Definitions 2015. Collection method: clinical testing. Allele origin: germline. Observed: 1 variant allele, 1 heterozygote.

NM_022367.4(SEMA4A):c.1196A>T (p.Asp399Val)

Gene: SEMA4A (semaphorin 4A; plus strand). Cytogenetic location: 1q22.
Variant type: single nucleotide variant.
Coding change: c.1196A>T on transcript NM_022367.4 (MANE Select); coding-DNA position 1196, A replaced by T.
Protein change: p.Asp399Val; replaces aspartic acid 399 with valine.
Molecular consequence: missense variant.
Genome position (GRCh38, 1-based): chr1:156,172,887, A>T. VCF-style: chr1-156172887-A-T. GRCh37 (hg19) VCF-style: chr1-156142678-A-T.
Other names: c.1196A>T, p.Asp399Val (NM_001193300.2, NM_001193301.2, NM_001370567.1); c.800A>T, p.Asp267Val (NM_001193302.2); c.899A>T, p.Asp300Val (NM_001370568.1); c.689A>T, p.Asp230Val (NM_001370569.1, NM_001370571.1); short protein forms D399V, D230V, D267V, D300V.
Identifiers: ClinVar variation 167673 (VCV000167673.8), dbSNP rs727504147, ClinGen allele CA234915.